The following is an entry in ClinVar:

ClinVar aggregate classification (germline): Uncertain significance (1 of 4 stars; one submission).

Conditions:
Inborn genetic diseases. Identifiers: MedGen C0950123, MeSH D030342.

gnomAD v4.1: 3 of 1,614,156 alleles (0.00019%); highest among the groups gnomAD compares: Non-Finnish European, 0.00025%; no homozygotes.

Submission:

Ambry Genetics
Classification: Uncertain significance for Inborn genetic diseases. Last evaluated: 2025-02-02. Review status: criteria provided, single submitter. Criteria: Ambry Variant Classification Scheme 2023. Collection method: clinical testing. Allele origin: germline.
Comment: The p.A116V variant (also known as c.347C>T), located in coding exon 5 of the ASXL1 gene, results from a C to T substitution at nucleotide position 347. The alanine at codon 116 is replaced by valine, an amino acid with similar properties. This amino acid position is conserved. In addition, this alteration is predicted to be tolerated by in silico analysis. Based on the available evidence, the clinical significance of this variant remains unclear.

NM_015338.6(ASXL1):c.347C>T (p.Ala116Val)

Gene: ASXL1 (ASXL transcriptional regulator 1; plus strand). Cytogenetic location: 20q11.21.
Variant type: single nucleotide variant.
Coding change: c.347C>T on transcript NM_015338.6 (MANE Select); coding-DNA position 347, C replaced by T.
Protein change: p.Ala116Val; replaces alanine 116 with valine.
Molecular consequence: missense variant.
Genome position (GRCh38, 1-based): chr20:32,428,222, C>T. VCF-style: chr20-32428222-C-T. GRCh37 (hg19) VCF-style: chr20-31016025-C-T.
Other names: c.317C>T, p.Ala106Val (NM_001363734.1); short protein forms A116V, A106V.
Identifiers: ClinVar variation 3793070 (VCV003793070.1).
Genomic context (GRCh38, chr20:32,428,222, plus strand): 5'-CAGTGGAGGGAGAGGAGCCAGAGGACACGGCTGATGTGGAGAGCTGTGGGTCTAATGAAG[C>T]CAGCACTGTGAGTGGTGAAAACGATGGTAAGGACCCTTTAATGGATGGGTGAGGGAGCCA-3'
Protein context (NP_056153.2, residues 106-126): ADVESCGSNE[Ala116Val]STVSGENDVS